The following is an entry in ClinVar:

NM_004517.4(ILK):c.1149G>A (p.Trp383Ter)

Genes: TAF10 (TATA-box binding protein associated factor 10; minus strand), ILK (integrin linked kinase; plus strand). Cytogenetic location: 11p15.4.
Variant type: single nucleotide variant.
Coding change: c.1149G>A on transcript NM_004517.4 (MANE Select); coding-DNA position 1149, G replaced by A.
Protein change: p.Trp383Ter; replaces tryptophan 383 with a stop codon.
Molecular consequence: nonsense. On other transcripts: 3 prime UTR variant (1).
Genome position (GRCh38, 1-based): chr11:6,610,218, G>A. VCF-style: chr11-6610218-G-A. GRCh37 (hg19) VCF-style: chr11-6631449-G-A.
Other names: c.1149G>A, p.Trp383Ter (NM_001014794.3, NM_001014795.3); c.966G>A, p.Trp322Ter (NM_001278441.2); c.747G>A, p.Trp249Ter (NM_001278442.2); c.*704C>T (NM_006284.4); short protein forms W249*, W322*, W383*.
Identifiers: ClinVar variation 839951 (VCV000839951.8), dbSNP rs1855363075, ClinGen allele CA379467199.

ClinVar aggregate classification (germline): Uncertain significance (1 of 4 stars; one submission).

Conditions:
Primary familial hypertrophic cardiomyopathy (HCM). Identifiers: Orphanet 99739, MedGen C0949658, MeSH D024741, MONDO:0024573. Inheritance: Various modes of inheritance.

Allele frequency attached by ClinVar (database versions not stated): gnomAD exomes below 0.00001.
gnomAD v4.1: 2 of 1,614,238 alleles (0.00012%); highest among the groups gnomAD compares: Non-Finnish European, 0.00017%; no homozygotes.

Submission:

Labcorp Genetics (formerly Invitae), Labcorp
Classification: Uncertain significance for Primary familial hypertrophic cardiomyopathy. Last evaluated: 2019-11-22. Review status: criteria provided, single submitter. Criteria: Invitae Variant Classification Sherloc (09022015). Collection method: clinical testing. Allele origin: germline.
Comment: This variant is not present in population databases (ExAC no frequency). This sequence change creates a premature translational stop signal (p.Trp383*) in the ILK gene. It is expected to result in an absent or disrupted protein product. This variant has not been reported in the literature in individuals with ILK-related conditions. In summary, the available evidence is currently insufficient to determine the role of this variant in disease. Therefore, it has been classified as a Variant of Uncertain Significance. The current clinical and genetic evidence is not sufficient to establish whether loss-of-function variants in ILK cause disease.